The following is an entry in ClinVar:

ClinVar aggregate classification (germline): Benign. Review status: criteria provided, multiple submitters, no conflicts (2 of 4 stars). 3 submissions from 3 submitters: Benign (3). Last evaluated 2023-11-12.

Allele frequency attached by ClinVar (database versions not stated): 1000 Genomes Project 30x 0.18707; 1000 Genomes Project 0.19089; TOPMed 0.20589; gnomAD 0.21208 and 0.21515.

Submissions (3):

Unidad de Genómica Garrahan, Hospital de Pediatría Garrahan
Classification: Benign. Last evaluated: 2023-11-12. Review status: criteria provided, single submitter. Criteria: ACMG Guidelines, 2015. Collection method: clinical testing. Allele origin: germline. Affected: no. Observed: 44 variant alleles.
Comment: This variant is classified as Benign based on local population frequency. This variant was detected in 46% of patients studied by a panel of primary immunodeficiencies. Number of patients: 44. Only high quality variants are reported.

GeneDx
Classification: Benign. Last evaluated: 2021-05-12. Review status: criteria provided, single submitter. Criteria: GeneDx Variant Classification Process June 2021. Collection method: clinical testing. Allele origin: germline. Affected: yes.

Breakthrough Genomics
Classification: Benign. Review status: criteria provided, single submitter. Criteria: ACMG Guidelines, 2015. Collection method: not provided. Allele origin: germline. Inheritance: Autosomal recessive inheritance. Affected: yes.

NM_173842.3(IL1RN):c.318+59A>T

Gene: IL1RN (interleukin 1 receptor antagonist; plus strand). Cytogenetic location: 2q14.1.
Variant type: single nucleotide variant.
Coding change: c.318+59A>T on transcript NM_173842.3 (MANE Select); 59 bases into the intron after coding-DNA position 318, A replaced by T.
Molecular consequence: intron variant.
Genome position (GRCh38, 1-based): chr2:113,131,216, A>T. VCF-style: chr2-113131216-A-T. GRCh37 (hg19) VCF-style: chr2-113888793-A-T.
Other names: c.216+59A>T (NM_001318914.2, NM_173843.3, NM_001379360.1); c.327+59A>T (NM_173841.3); c.264+59A>T (NM_000577.5).
Identifiers: ClinVar variation 1260921 (VCV001260921.5), dbSNP rs454078, ClinGen allele CA15187026.